The following is an entry in ClinVar:

NM_001267550.2(TTN):c.95417-4A>T

Genes: TTN (titin; minus strand), TTN-AS1 (TTN antisense RNA 1; plus strand). Cytogenetic location: 2q31.2.
Variant type: single nucleotide variant.
Coding change: c.95417-4A>T on transcript NM_001267550.2 (MANE Select); 4 bases into the intron before coding-DNA position 95417, A replaced by T.
Molecular consequence: intron variant.
Genome position (GRCh38, 1-based): chr2:178,545,697, T>A on the plus strand (A>T on the coding strand, the complement: TTN is on the minus strand). VCF-style: chr2-178545697-T-A. GRCh37 (hg19) VCF-style: chr2-179410424-T-A.
Other names: c.68222-4A>T (NM_003319.4); c.68798-4A>T (NM_133437.4); c.68597-4A>T (NM_133432.3); c.87713-4A>T (NM_133378.4); c.90494-4A>T (NM_001256850.1).
Identifiers: ClinVar variation 1755642 (VCV001755642.3), dbSNP rs769419531, ClinGen allele CA1986953.

ClinVar aggregate classification (germline): Conflicting classifications of pathogenicity. Review status: criteria provided, conflicting classifications (1 of 4 stars). 2 submissions from 2 submitters: Uncertain significance (1); Likely benign (1). Last evaluated 2022-10-18.

Conditions:
Cardiovascular phenotype. Identifiers: MedGen CN230736.

Allele frequency attached by ClinVar (database versions not stated): ExAC 0.00002.
gnomAD v4.1: 15 of 1,609,890 alleles (0.00093%); highest among the groups gnomAD compares: Non-Finnish European, 0.0012%; no homozygotes.

Submissions (2):

Blueprint Genetics
Classification: Likely benign. Last evaluated: 2022-10-18. Review status: criteria provided, single submitter. Criteria: ACMG Guidelines, 2015. Collection method: clinical testing. Allele origin: germline.

Ambry Genetics
Classification: Uncertain significance for Cardiovascular phenotype. Last evaluated: 2019-01-28. Review status: criteria provided, single submitter. Criteria: Ambry Variant Classification Scheme 2023. Collection method: clinical testing. Allele origin: germline.
Comment: The c.68222-4A>T intronic variant results from an A to T substitution 4 nucleotides upstream from coding exon 171 in the TTN gene. This nucleotide position is highly conserved in available vertebrate species. Using the BDGP and ESEfinder splice site prediction tools, this alteration is not predicted to have any significant effect on this splice acceptor/donor site; however, direct evidence is unavailable. Since supporting evidence is limited at this time, the clinical significance of this alteration remains unclear.